The following is an entry in ClinVar:

NM_002693.3(POLG):c.2480+1G>T

Gene: POLG (DNA polymerase gamma, catalytic subunit; minus strand). Cytogenetic location: 15q26.1.
Variant type: single nucleotide variant.
Coding change: c.2480+1G>T on transcript NM_002693.3 (MANE Select); the canonical splice donor site of the intron after coding-DNA position 2480, G replaced by T.
Molecular consequence: splice donor variant.
Genome position (GRCh38, 1-based): chr15:89,321,961, C>A on the plus strand (G>T on the coding strand, the complement: POLG is on the minus strand). VCF-style: chr15-89321961-C-A. GRCh37 (hg19) VCF-style: chr15-89865192-C-A.
Other names: c.2480+1G>T (NM_001126131.2).
Identifiers: ClinVar variation 2860133 (VCV002860133.6), dbSNP rs1567187326, ClinGen allele CA393754897.

ClinVar aggregate classification (germline): Pathogenic/Likely pathogenic. Review status: criteria provided, multiple submitters, no conflicts (2 of 4 stars). 3 submissions from 3 submitters: Pathogenic (1); Likely pathogenic (2). Last evaluated 2025-04-28.

Conditions:
POLG-related disorder. Also called: POLG-Related Spectrum Disorders; POLG-related condition; POLG-Related Disorders. Identifiers: MedGen C4763519.
Progressive external ophthalmoplegia with mitochondrial DNA deletions, autosomal dominant 1 (PEOA1). Also called: PROGRESSIVE EXTERNAL OPHTHALMOPLEGIA, AUTOSOMAL DOMINANT 1; Autosomal Dominant Progressive External Ophthalmoplegia (adPEO). Identifiers: MedGen C1834846, MONDO:0024528, OMIM 157640.
Progressive sclerosing poliodystrophy (MTDPS4A). Also called: Mitochondrial DNA depletion syndrome 4A (Alpers type); ALPERS PROGRESSIVE INFANTILE POLIODYSTROPHY; NEURONAL DEGENERATION OF CHILDHOOD WITH LIVER DISEASE, PROGRESSIVE; Alpers Syndrome; ALPERS DIFFUSE DEGENERATION OF CEREBRAL GRAY MATTER WITH HEPATIC CIRRHOSIS; Alpers-Huttenlocher Syndrome. Identifiers: Orphanet 726, MedGen C0205710, MONDO:0008758, OMIM 203700.
Mitochondrial DNA depletion syndrome 4b. Also called: Mitochondrial Neurogastrointestinal Encephalopathy Disease, POLG-Related; MNGIE, POLG-RELATED. Identifiers: Orphanet 298, MedGen C3150914, MONDO:0013350, OMIM 613662.
Sensory ataxic neuropathy, dysarthria, and ophthalmoparesis (SANDO). Also called: Sensory ataxic neuropathy-dysarthria-ophthalmoparesis syndrome; Ataxia Neuropathy Spectrum (ANS); Epilepsy, progressive myoclonic, type 5; SENSORY ATAXIC NEUROPATHY WITH MITOCHONDRIAL DNA DELETIONS, AUTOSOMAL RECESSIVE. Identifiers: Orphanet 70595, MedGen C1843851, MONDO:0011835, OMIM 607459.
Progressive external ophthalmoplegia with mitochondrial DNA deletions, autosomal recessive 1 (PEOB1). Also called: Progressive external ophthalmoplegia, autosomal recessive 1; Autosomal Recessive Progressive External Ophthalmoplegia (arPEO). Identifiers: Orphanet 254886, MedGen C4225153, MONDO:0009783, OMIM 258450.

gnomAD v4.1: 1 of 1,614,106 alleles (0.000062%); highest among the groups gnomAD compares: Non-Finnish European, 0.000085%; no homozygotes.

Submissions (3):

Women's Health and Genetics/Laboratory Corporation of America, LabCorp
Classification: Likely pathogenic for POLG-related disorder. Last evaluated: 2025-04-28. Review status: criteria provided, single submitter. Criteria: LabCorp Variant Classification Summary - May 2015. Collection method: clinical testing. Allele origin: germline.
Comment: Variant summary: POLG c.2480+1G>T is located in a canonical splice-site and is predicted to affect mRNA splicing resulting in a significantly altered protein due to either exon skipping, shortening, or inclusion of intronic material. Variants that disrupt the consensus splice site are a relatively common cause of aberrant splicing and loss of POLG function. Several computational tools predict a significant impact on normal splicing: Four predict the variant abolishes a 5' splicing donor site. Two predict the variant abolishes a cryptic 3' acceptor site. Two predict the variant weakens a cryptic 3' acceptor site. However, these predictions have yet to be confirmed by functional studies. The variant was absent in 251464 control chromosomes. To our knowledge, no occurrence of c.2480+1G>T in individuals affected with POLG-Related Spectrum Disorders and no experimental evidence demonstrating its impact on protein function have been reported. ClinVar contains an entry for this variant (Variation ID: 2860133). Based on the evidence outlined above, the variant was classified as likely pathogenic.

Fulgent Genetics
Classification: Likely pathogenic for Progressive external ophthalmoplegia with mitochondrial DNA deletions, autosomal dominant 1; Progressive sclerosing poliodystrophy; Progressive external ophthalmoplegia with mitochondrial DNA deletions, autosomal recessive 1; Sensory ataxic neuropathy, dysarthria, and ophthalmoparesis; Mitochondrial DNA depletion syndrome 4b. Last evaluated: 2024-06-15. Review status: criteria provided, single submitter. Criteria: ACMG Guidelines, 2015. Collection method: clinical testing. Allele origin: germline.

Labcorp Genetics (formerly Invitae), Labcorp
Classification: Pathogenic for Progressive sclerosing poliodystrophy. Last evaluated: 2024-01-28. Review status: criteria provided, single submitter. Criteria: Invitae Variant Classification Sherloc (09022015). Collection method: clinical testing. Allele origin: germline.
Comment: This sequence change affects a donor splice site in intron 15 of the POLG gene. It is expected to disrupt RNA splicing. Variants that disrupt the donor or acceptor splice site typically lead to a loss of protein function (PMID: 16199547), and loss-of-function variants in POLG are known to be pathogenic (PMID: 18546365). This variant is not present in population databases (gnomAD no frequency). Disruption of this splice site has been observed in individual(s) with Alpers-Huttenlocher syndrome (PMID: 18546365). In at least one individual the data is consistent with being in trans (on the opposite chromosome) from a pathogenic variant. Algorithms developed to predict the effect of sequence changes on RNA splicing suggest that this variant may disrupt the consensus splice site. For these reasons, this variant has been classified as Pathogenic.

Literature cited by the submitters: PubMed 16199547 (cited by Labcorp Genetics (formerly Invitae), Labcorp); PubMed 18546365 (cited by Labcorp Genetics (formerly Invitae), Labcorp).